The following is an entry in ClinVar:

NM_000268.4(NF2):c.279C>G (p.Thr93=)

Gene: NF2 (NF2, moesin-ezrin-radixin like (MERLIN) tumor suppressor; plus strand). Cytogenetic location: 22q12.2.
Variant type: single nucleotide variant.
Coding change: c.279C>G on transcript NM_000268.4 (MANE Select); coding-DNA position 279, C replaced by G.
Protein change: p.Thr93=; no amino-acid change (threonine 93 retained).
Molecular consequence: synonymous variant. On other transcripts: 5 prime UTR variant (1), intron variant (8).
Genome position (GRCh38, 1-based): chr22:29,639,128, C>G. VCF-style: chr22-29639128-C-G. GRCh37 (hg19) VCF-style: chr22-30035117-C-G.
Other names: c.165C>G, p.Thr55= (NM_001407053.1, NM_001407056.1); c.153C>G, p.Thr51= (NM_001407055.1, NM_181828.3); c.279C>G, p.Thr93= (NM_001407057.1, NM_001407059.1, NM_001407060.1 and 5 more transcripts); c.-362C>G (NM_001407065.1); c.48C>G, p.Thr16= (NM_001407067.1); c.240+2252C>G (NM_001407058.1, NM_181829.3, NM_001407054.1 and 1 more transcripts); c.115-3074C>G (NM_001407063.1, NM_181830.3, NM_001407064.1 and 1 more transcripts).
Identifiers: ClinVar variation 3072541 (VCV003072541.1), dbSNP rs758722464, ClinGen allele CA030334.

ClinVar aggregate classification (germline): Likely benign (1 of 4 stars; one submission).

Conditions:
Neurofibromatosis, type 2 (SWNV). Also called: BILATERAL ACOUSTIC NEUROFIBROMATOSIS; NF2-Related Schwannomatosis; SCHWANNOMATOSIS, VESTIBULAR. Identifiers: Orphanet 637, MedGen C0027832, MONDO:0007039, OMIM 101000. Disease mechanism: loss of function.

Allele frequency attached by ClinVar (database versions not stated): ExAC 0.00001.
gnomAD v4.1: 1 of 1,614,138 alleles (0.000062%); highest among the groups gnomAD compares: South Asian, 0.0011%; no homozygotes.

Submission:

All of Us Research Program, National Institutes of Health
Classification: Likely benign for Neurofibromatosis, type 2. Last evaluated: 2023-07-22. Review status: criteria provided, single submitter. Criteria: ACMG Guidelines, 2015. Collection method: clinical testing. Allele origin: germline. Inheritance: Autosomal dominant inheritance. Observed: 1 variant allele, 1 heterozygote.
Comment: This study involves interpretation of variants in research participants for the purpose of population health screening. Participant phenotype was not available at the time of variant classification. Additional details can be found in publication PMID: 35346344, PMCID: PMC8962531